The following is an entry in ClinVar:

NM_000523.4(HOXD13):c.820C>T (p.Arg274Ter)

Gene: HOXD13 (homeobox D13; plus strand). Cytogenetic location: 2q31.1.
Variant type: single nucleotide variant.
Coding change: c.820C>T on transcript NM_000523.4 (MANE Select); coding-DNA position 820, C replaced by T.
Protein change: p.Arg274Ter; replaces arginine 274 with a stop codon.
Molecular consequence: nonsense.
Genome position (GRCh38, 1-based): chr2:176,094,518, C>T. VCF-style: chr2-176094518-C-T. GRCh37 (hg19) VCF-style: chr2-176959246-C-T.
Other names: short protein forms R274*.
Identifiers: ClinVar variation 374019 (VCV000374019.46), dbSNP rs200750564, ClinGen allele CA16043380.

ClinVar aggregate classification (germline): Conflicting classifications of pathogenicity. Review status: criteria provided, conflicting classifications (1 of 4 stars). 12 submissions from 11 submitters: Pathogenic (7); Likely pathogenic (4); Uncertain significance (1). Last evaluated 2026-04-01.

Conditions:
Brachydactyly type D. Also called: STUB THUMB. Identifiers: MedGen C0220664, MONDO:0007222, OMIM 113200, HP:0005627.
Syndactyly type 5. Also called: Syndactyly, type V; SYNDACTYLY WITH METACARPAL AND METATARSAL FUSION; Syndactyly with associated metacarpal and metatarsal fusion. Identifiers: Orphanet 93406, MedGen C1861348, MONDO:0008516, OMIM 186300.
Brachydactyly-syndactyly syndrome (BDSD). Identifiers: Orphanet 93409, MedGen C1853137, MONDO:0012544, OMIM 610713.
Synpolydactyly type 1. Identifiers: Orphanet 295195, MedGen C5574994, MONDO:0008513, OMIM 186000.
Brachydactyly type E1 (BDE1). Identifiers: Orphanet 93387, MedGen C1862102, MONDO:0007223, OMIM 113300.
Polydactyly. Also called: polydactylism. Identifiers: MedGen C0152427, MONDO:0021003, OMIM 603596, HP:0010442.
Oligospermia. Identifiers: MedGen C0028960, MeSH D009845, MONDO:0001913.
Syndactyly. Also called: Webbed fingers or toes. Identifiers: MedGen C0039075, MONDO:0021002, HP:0001159.
Mesoaxial hand polydactyly. Identifiers: MedGen C4021606, HP:0006159.
Male infertility. Identifiers: MedGen C0021364, MeSH D007248, MONDO:0005372, HP:0003251.
Penile hypospadias. Identifiers: MedGen C1691215, HP:0003244.
HOXD13-related disorder. Also called: HOXD13-related condition; HOXD13-related disorders.
Synpolydactyly. Also called: Syndactyly type 2. Identifiers: Orphanet 93403, MedGen C2699746, MONDO:0021651.
Inborn genetic diseases. Identifiers: MedGen C0950123, MeSH D030342.

Allele frequency attached by ClinVar (database versions not stated): gnomAD 0.00001; gnomAD exomes 0.00001; TOPMed 0.00002.
gnomAD v4.1: 9 of 1,613,792 alleles (0.00056%); highest among the groups gnomAD compares: Non-Finnish European, 0.00076%; no homozygotes.

Submissions (12):

CeGaT Center for Human Genetics Tuebingen
Classification: Likely pathogenic. Last evaluated: 2026-04-01. Review status: criteria provided, single submitter. Criteria: CeGaT Center For Human Genetics Tuebingen Variant Classification Criteria Version 2. Collection method: clinical testing. Allele origin: germline. Affected: yes. Observed: 4 variant alleles.
Comment: HOXD13: PVS1:Strong, PS4:Moderate, PM6:Supporting

GeneDx
Classification: Likely pathogenic. Last evaluated: 2025-12-28. Review status: criteria provided, single submitter. Criteria: GeneDx Variant Classification Process June 2021. Collection method: clinical testing. Allele origin: germline. Affected: yes.
Comment: Reported in the homozygous state in a fetus with bilateral syndactyly and oligodactyly; parents were reported as heterozygous but their clinical details were not specified in this report (PMID: 35574990); Nonsense variant predicted to result in protein truncation, as the last 70 amino acids are lost, and other loss-of-function variants have been reported downstream in HGMD; This variant is associated with the following publications: (PMID: 26046366, Sabau2025[Article], 35574990, Sabau2023[Preprint], 22233338, 37427568)

Labcorp Genetics (formerly Invitae), Labcorp
Classification: Uncertain significance. Last evaluated: 2025-12-10. Review status: criteria provided, single submitter. Criteria: Invitae Variant Classification Sherloc (09022015). Collection method: clinical testing. Allele origin: germline.
Comment: This sequence change creates a premature translational stop signal (p.Arg274*) in the HOXD13 gene. While this is not anticipated to result in nonsense mediated decay, it is expected to disrupt the last 70 amino acid(s) of the HOXD13 protein. This variant is present in population databases (rs200750564, gnomAD 0.002%). This premature translational stop signal has been observed in individual(s) with HOXD13-related conditions (PMID: 22233338, 35574990). ClinVar contains an entry for this variant (Variation ID: 374019). This variant disrupts a region of the HOXD13 protein in which other variant(s) (p.Asn298del) have been observed in individuals with HOXD13-related conditions (PMID: 37427568; internal data). This suggests that this is a clinically significant region of the protein, and that variants that disrupt it are likely to be disease-causing. In summary, the available evidence is currently insufficient to determine the role of this variant in disease. Therefore, it has been classified as a Variant of Uncertain Significance.

Ambry Genetics
Classification: Pathogenic for Inborn genetic diseases. Last evaluated: 2025-04-24. Review status: criteria provided, single submitter. Criteria: Ambry Variant Classification Scheme 2023. Collection method: clinical testing. Allele origin: germline.
Comment: The c.820C>T (p.R274*) alteration, located in exon 2 (coding exon 2) of the HOXD13 gene, consists of a C to T substitution at nucleotide position 820. This changes the amino acid from an arginine (R) to a stop codon at amino acid position 274. This alteration occurs at the 3' terminus of the HOXD13 gene, is not expected to trigger nonsense-mediated mRNA decay, and impacts the last 20% of the protein. Premature stop codons are typically deleterious in nature and the impacted region is critical for protein function (Ambry internal data). Based on data from gnomAD, the T allele has an overall frequency of 0.001% (2/251468) total alleles studied. The highest observed frequency was 0.002% (2/113746) of European (non-Finnish) alleles. This variant was reported to be heterozygous in individuals with features consistent with HOXD13-related limb skeletal malformations (Jamsheer, 2012; Johnston, 2015). This variant has also been identified in the homozygous state in a fetus with features consistent with HOXD13-related limb skeletal malformations (Dufke, 2022). Based on the available evidence, this alteration is classified as pathogenic.

Blueprint Genetics
Classification: Likely pathogenic for HOXD13-related disorders. Last evaluated: 2023-07-06. Review status: criteria provided, single submitter. Criteria: ACMG Guidelines, 2015. Collection method: clinical testing. Allele origin: germline. Affected: yes. Observed: 1 variant allele.

Fulgent Genetics
Classification: Pathogenic for Brachydactyly type D; Brachydactyly type E1; Synpolydactyly type 1; Syndactyly type 5; Brachydactyly-syndactyly syndrome. Last evaluated: 2022-02-27. Review status: criteria provided, single submitter. Criteria: ACMG Guidelines, 2015. Collection method: clinical testing. Allele origin: unknown.

Institute of Medical Genetics and Applied Genomics, University Hospital Tübingen
Classification: Pathogenic. Last evaluated: 2020-10-23. Review status: criteria provided, single submitter. Criteria: ACMG Guidelines, 2015. Collection method: clinical testing. Allele origin: germline. Inheritance: Unknown mechanism. Affected: yes.

Institute of Human Genetics, University of Leipzig Medical Center
Classification: Pathogenic for Brachydactyly-syndactyly syndrome. Last evaluated: 2017-08-28. Review status: criteria provided, single submitter. Criteria: ACMG Guidelines, 2015. Collection method: clinical testing. Allele origin: germline. Affected: yes. Observed: 1 variant allele.

Eurofins Ntd Llc (ga)
Classification: Likely pathogenic. Last evaluated: 2017-03-14. Review status: criteria provided, single submitter. Criteria: EGL Classification Definitions 2015. Collection method: clinical testing. Allele origin: germline. Observed: 1 variant allele, 1 heterozygote.

Centre for Mendelian Genomics, University Medical Centre Ljubljana
Classification: Pathogenic for Synpolydactyly type 1. Last evaluated: 2016-01-01. Review status: criteria provided, single submitter. Criteria: ACMG Guidelines, 2015. Collection method: clinical testing. Allele origin: unknown. Affected: yes.
Comment: This variant was classified as: Pathogenic. This variant was detected in homozygous state.

Centre for Mendelian Genomics, University Medical Centre Ljubljana
Classification: Pathogenic for Hypospadias; Male infertility; Mesoaxial hand polydactyly; Oligozoospermia; Polydactyly; Syndactyly. Last evaluated: 2015-12-04. Review status: criteria provided, single submitter. Criteria: ACMG Guidelines, 2015. Collection method: clinical testing. Allele origin: unknown. Affected: yes.

Pars Genome Lab
Classification: Pathogenic for Synpolydactyly. Review status: criteria provided, single submitter. Criteria: ACMG Guidelines, 2015. Collection method: clinical testing. Allele origin: germline. Inheritance: Autosomal dominant inheritance. Affected: yes. Observed: 1 homozygote.
Comment: We found this variant in a family with multiple affected siblings in homozygous state.

Literature cited by the submitters: PubMed 22233338 (cited by Labcorp Genetics (formerly Invitae), Labcorp and Ambry Genetics); PubMed 35574990 (cited by Labcorp Genetics (formerly Invitae), Labcorp and Ambry Genetics); PubMed 37427568 (cited by Labcorp Genetics (formerly Invitae), Labcorp); PubMed 26046366 (cited by Ambry Genetics).